The following is an entry in ClinVar:

ClinVar aggregate classification (germline): Pathogenic (1 of 4 stars; one submission).

Conditions:
Primary ciliary dyskinesia 32. Also called: CILIARY DYSKINESIA, PRIMARY, 32, WITHOUT SITUS INVERSUS. Identifiers: Orphanet 244, MedGen C4225311, MONDO:0014657, OMIM 616481.

Submission:

Labcorp Genetics (formerly Invitae), Labcorp
Classification: Pathogenic for Primary ciliary dyskinesia 32. Last evaluated: 2023-01-13. Review status: criteria provided, single submitter. Criteria: Invitae Variant Classification Sherloc (09022015). Collection method: clinical testing. Allele origin: germline.
Comment: This sequence change creates a premature translational stop signal (p.Pro141Argfs*7) in the RSPH3 gene. It is expected to result in an absent or disrupted protein product. Loss-of-function variants in RSPH3 are known to be pathogenic (PMID: 26073779). The frequency data for this variant in the population databases is considered unreliable, as metrics indicate poor data quality at this position in the gnomAD database. This variant has not been reported in the literature in individuals affected with RSPH3-related conditions. For these reasons, this variant has been classified as Pathogenic.

Literature cited by the submitters: PubMed 26073779.

NM_031924.8(RSPH3):c.-5del

Gene: RSPH3 (radial spoke head 3; minus strand). Cytogenetic location: 6q25.3.
Variant type: Deletion.
Coding change: c.-5del on transcript NM_031924.8 (MANE Select); 5 bases upstream of the start codon, one base deleted (C; older notation c.-5delC).
Molecular consequence: 5 prime UTR variant. On other transcripts: frameshift variant (1), non-coding transcript variant (1).
Genome position (GRCh38, 1-based): chr6:158,999,555, G deleted on the plus strand (C on the coding strand, the reverse complement: RSPH3 is on the minus strand); the first of 5 consecutive G bases (chr6:158,999,555-158,999,559); deleting any one gives the same sequence. VCF-style (leftmost placement, unchanged base first): chr6-158999554-CG-C. GRCh37 (hg19) VCF-style: chr6-159420586-CG-C.
Other names: c.422del, p.Pro141fs (NM_001346418.1); short protein forms P141fs.
Identifiers: ClinVar variation 2843362 (VCV002843362.3), dbSNP rs776355208, ClinGen allele CA4076024.
Genomic context (GRCh38, chr6:158,999,554, plus strand): 5'-GGTGTAGGTGTAGGTGCTCGGGGCCCGAGAGGTGCGATCAGTCAGCGCTGAGGCCATGTC[CG>C]GGGGCTGACTGCCTCGCTTTCGGTGGAGCTTGGCTTTGAAGCAGGTGGGCGCTAAGGTGT-3'